The following is an entry in ClinVar:

NM_018368.4(LMBRD1):c.1577A>G (p.Glu526Gly)

Gene: LMBRD1 (LMBR1 domain containing 1; minus strand). Cytogenetic location: 6q13.
Variant type: single nucleotide variant.
Coding change: c.1577A>G on transcript NM_018368.4 (MANE Select); coding-DNA position 1577, A replaced by G.
Protein change: p.Glu526Gly; replaces glutamic acid 526 with glycine.
Molecular consequence: missense variant.
Genome position (GRCh38, 1-based): chr6:69,676,204, T>C on the plus strand (A>G on the coding strand, the complement: LMBRD1 is on the minus strand). VCF-style: chr6-69676204-T-C. GRCh37 (hg19) VCF-style: chr6-70386096-T-C.
Other names: c.1577A>G (NM_018368.3); c.1358A>G, p.Glu453Gly (NM_001363722.2, NM_001367271.1, NM_001367272.1); short protein forms E526G, E453G.
Identifiers: ClinVar variation 1361288 (VCV001361288.10), dbSNP rs761378514, ClinGen allele CA3879509.

ClinVar aggregate classification (germline): Uncertain significance. Review status: criteria provided, multiple submitters, no conflicts (2 of 4 stars). 2 submissions from 2 submitters: Uncertain significance (2). Last evaluated 2023-06-27.

Conditions:
Methylmalonic aciduria and homocystinuria type cblF. Also called: VITAMIN B12 LYSOSOMAL RELEASE DEFECT; VITAMIN B12 STORAGE DISEASE; COBALAMIN F DISEASE; COBALAMIN, DEFECT IN LYSOSOMAL RELEASE OF; METHYLMALONIC ACIDEMIA AND HOMOCYSTINURIA, cblF TYPE; METHYLMALONIC ACIDURIA DUE TO VITAMIN B12-RELEASE DEFECT. Identifiers: Orphanet 79284, MedGen C1848578, MONDO:0010183, OMIM 277380.
Inborn genetic diseases. Identifiers: MedGen C0950123, MeSH D030342.

Allele frequency attached by ClinVar (database versions not stated): gnomAD exomes below 0.00001; ExAC 0.00001.
gnomAD v4.1: 2 of 1,613,448 alleles (0.00012%); highest among the groups gnomAD compares: Non-Finnish European, 0.00017%; no homozygotes.

Submissions (2):

Ambry Genetics
Classification: Uncertain significance for Inborn genetic diseases. Last evaluated: 2023-06-27. Review status: criteria provided, single submitter. Criteria: Ambry Variant Classification Scheme 2023. Collection method: clinical testing. Allele origin: germline.

Labcorp Genetics (formerly Invitae), Labcorp
Classification: Uncertain significance for Methylmalonic aciduria and homocystinuria type cblF. Last evaluated: 2022-03-23. Review status: criteria provided, single submitter. Criteria: Invitae Variant Classification Sherloc (09022015). Collection method: clinical testing. Allele origin: germline.
Comment: This sequence change replaces glutamic acid, which is acidic and polar, with glycine, which is neutral and non-polar, at codon 526 of the LMBRD1 protein (p.Glu526Gly). This variant is present in population databases (rs761378514, gnomAD 0.0009%). This variant has not been reported in the literature in individuals affected with LMBRD1-related conditions. Algorithms developed to predict the effect of missense changes on protein structure and function are either unavailable or do not agree on the potential impact of this missense change (SIFT: "Deleterious"; PolyPhen-2: "Benign"; Align-GVGD: "Class C0"). In summary, the available evidence is currently insufficient to determine the role of this variant in disease. Therefore, it has been classified as a Variant of Uncertain Significance.